The following is an entry in ClinVar:

NM_001009944.3(PKD1):c.7300C>T (p.Arg2434Trp)

Gene: PKD1 (polycystin 1, transient receptor potential channel interacting; minus strand). Cytogenetic location: 16p13.3.
Variant type: single nucleotide variant.
Coding change: c.7300C>T on transcript NM_001009944.3 (MANE Select); coding-DNA position 7300, C replaced by T.
Protein change: p.Arg2434Trp; replaces arginine 2434 with tryptophan.
Molecular consequence: missense variant.
Genome position (GRCh38, 1-based): chr16:2,106,587, G>A on the plus strand (C>T on the coding strand, the complement: PKD1 is on the minus strand). VCF-style: chr16-2106587-G-A. GRCh37 (hg19) VCF-style: chr16-2156588-G-A.
Other names: c.7300C>T, p.Arg2434Trp (NM_000296.4); short protein forms R2434W.
Identifiers: ClinVar variation 873391 (VCV000873391.60), dbSNP rs151257298, ClinGen allele CA7831188.

ClinVar aggregate classification (germline): Conflicting classifications of pathogenicity. Review status: criteria provided, conflicting classifications (1 of 4 stars). 11 submissions from 11 submitters: Pathogenic (3); Likely pathogenic (6); Uncertain significance (2). Last evaluated 2026-09-25.

Conditions:
PKD1-related disorder. Also called: PKD1-related condition.
Polycystic kidney disease, adult type (PKD1). Also called: Polycystic Kidney Disease 1, Autosomal Dominant; Polycystic kidney disease 1; Polycystic kidney disease 1, severe; POLYCYSTIC KIDNEY DISEASE 1 WITH OR WITHOUT POLYCYSTIC LIVER DISEASE; Polycystic Kidney, Autosomal Dominant; POLYCYSTIC KIDNEY DISEASE, ADULT, TYPE I. Identifiers: MedGen C3149841, MONDO:0008263, OMIM 173900.

Allele frequency attached by ClinVar (database versions not stated): gnomAD exomes below 0.00001; ExAC 0.00002; ESP Exome Variant Server 0.00008.
gnomAD v4.1: 1 of 1,597,728 alleles (0.000063%); no homozygotes.

Submissions (11):

PreventionGenetics, part of Exact Sciences
Classification: Likely pathogenic for PKD1-related condition. Last evaluated: 2026-09-25. Review status: criteria provided, single submitter. Criteria: ACMG Guidelines, 2015. Collection method: clinical testing. Allele origin: germline.
Comment: The PKD1 c.7300C>T variant is predicted to result in the amino acid substitution p.Arg2434Trp. This variant has been reported in multiple unrelated individuals with a personal and family history of polycystic kidney disease (PKD) (Audrézet et al. 2012. PubMed ID: 22508176; Table S1, Cornec-Le Gall et al. 2013. PubMed ID: 23431072; Wang et al. 2019. PubMed ID: 31056860; Table S3, Benson et al. 2021. PubMed ID: 33454723; Watson et al. 2025. PubMed ID: 39888183). One PKD patient with this variant also carried a nearby nonsense variant c.7288C>T (p.Gln2430*) in the same gene, but the phase of these two variants was unknown (Rossetti et al. 2012. PubMed ID: 22383692). This variant is reported in 0.0068% of alleles in individuals of African descent in gnomAD; however, the quality of this data is questionable and should be interpreted with caution. This variant has conflicting classifications in the ClinVar database ranging from uncertain to pathogenic (Variation ID: 873391). Taken together, this variant is classified as likely pathogenic.

Women's Health and Genetics/Laboratory Corporation of America, LabCorp
Classification: Pathogenic for Polycystic kidney disease, adult type. Last evaluated: 2025-10-08. Review status: criteria provided, single submitter. Criteria: LabCorp Variant Classification Summary - May 2015. Collection method: clinical testing. Allele origin: germline.
Comment: Variant summary: PKD1 c.7300C>T (p.Arg2434Trp) results in a non-conservative amino acid change located in the PKD/REJ-like domain (IPR002859) of the encoded protein sequence. Algorithms developed to predict the effect of missense changes on protein structure and function all suggest that this variant is likely to be disruptive. The frequency data for this variant in gnomAD is considered unreliable, as metrics indicate poor data quality at this position. c.7300C>T has been observed in multiple individuals affected with Polycystic Kidney Disease 1 (e.g., Audrezet_2012, Cornec-Le Gall_2013, Wang_2019). These data indicate that the variant is very likely to be associated with disease. To our knowledge, no experimental evidence demonstrating an impact on protein function has been reported. The following publications have been ascertained in the context of this evaluation (PMID: 31056860, 35778421, 23431072, 21115670, 22508176). ClinVar contains an entry for this variant (Variation ID: 873391). Based on the evidence outlined above, the variant was classified as pathogenic.

Victorian Clinical Genetics Services, Murdoch Childrens Research Institute
Classification: Likely pathogenic for Polycystic kidney disease, adult type. Last evaluated: 2025-07-10. Review status: criteria provided, single submitter. Criteria: ACMG Guidelines, 2015. Collection method: clinical testing. Allele origin: germline. Affected: yes.
Comment: This variant is classified as Likely pathogenic. Evidence in support of pathogenic classification: Variant is present in gnomAD <0.001 for a dominant condition (v4: 1 heterozygote(s), 0 homozygote(s)); This variant has strong previous evidence of pathogenicity in unrelated individuals. This variant has been classified as pathogenic/likely pathogenic and as a VUS by clinical laboratories in ClinVar, and has been reported in the literature in heterozygous individuals with autosomal dominant polycystic kidney disease (ADPKD) (PMID: 37078890, 31056860, 22508176). This variant has also been reported in two individuals with ADPKD who also had other PKD1 variants with unknown phasing (PMID: 22383692, 21115670). In addition, this variant has been classified as likely pathogenic by the polycystic kidney disease database, and has been identified in a heterozygous individual with ADPKD (VCGS cohort); Missense variant predicted to be damaging by in silico tool(s) or highly conserved with a major amino acid change. Additional information: Variant is predicted to result in a missense amino acid change from arginine to tryptophan; This variant is heterozygous; This gene is associated with autosomal dominant disease. Polycystic kidney disease 1 (MIM#173900) is predominantly caused by monoallelic variants, with rare reports of biallelic variants causing disease (OMIM); Alternative amino acid change(s) at the same position are present in gnomAD (Highest allele count: v4: 6 heterozygote(s), 0 homozygote(s)); No published evidence of segregation with disease has been identified for this variant; No published functional evidence has been identified for this variant; Another missense variant(s) comparable to the one identified in this case has conflicting previous evidence for pathogenicity. p.(Arg2434Gln) has been classified as a VUS by a clinical laboratory in ClinVar and as likely pathogenic by PKDB. This variant has been reported in the literature in an individual with ADPKD; however, a second PKD1 missense variant was also identified in this individual (PMID: 22383692); Variant is located in the annotated REJ domain (DECIPHER); Loss of function is a known mechanism of disease in this gene and is associated with polycystic kidney disease 1 (MIM#173900); Inheritance information for this variant is not currently available in this individual.

Laboratory of Genetics, Children's Clinical University Hospital Latvia
Classification: Pathogenic. Last evaluated: 2025-02-16. Review status: criteria provided, single submitter. Criteria: ACMG Guidelines, 2015. Collection method: clinical testing. Allele origin: germline. Affected: yes.

Department of Pathology and Laboratory Medicine, Sinai Health System
Classification: Likely pathogenic for Polycystic kidney disease, adult type. Last evaluated: 2024-12-16. Review status: criteria provided, single submitter. Criteria: ACMG Guidelines, 2015. Collection method: clinical testing. Allele origin: germline.

Blueprint Genetics
Classification: Likely pathogenic for PKD1-related disorders. Last evaluated: 2024-09-25. Review status: criteria provided, single submitter. Criteria: ACMG Guidelines, 2015. Collection method: clinical testing. Allele origin: germline. Affected: yes. Observed: 4 variant alleles.

Fulgent Genetics
Classification: Likely pathogenic for Polycystic kidney disease, adult type. Last evaluated: 2024-06-24. Review status: criteria provided, single submitter. Criteria: ACMG Guidelines, 2015. Collection method: clinical testing. Allele origin: germline.

Athena Diagnostics
Classification: Likely pathogenic. Last evaluated: 2022-12-20. Review status: criteria provided, single submitter. Criteria: Athena Diagnostics Criteria. Collection method: clinical testing. Allele origin: unknown.
Comment: The frequency of this variant in the general population is consistent with pathogenicity. This variant has been identified in multiple unrelated individuals with clinical features associated with this gene, including a de novo case. This variant has been seen where an alternate explanation for disease was also identified, suggesting this variant may not cause disease. Computational tools predict that this variant is damaging. The variant is located in a region that is considered important for protein function and/or structure.

GeneDx
Classification: Uncertain significance. Last evaluated: 2022-09-19. Review status: criteria provided, single submitter. Criteria: GeneDx Variant Classification Process June 2021. Collection method: clinical testing. Allele origin: germline. Affected: yes.
Comment: Not observed in large population cohorts (gnomAD); In silico analysis supports that this missense variant has a deleterious effect on protein structure/function; This variant is associated with the following publications: (PMID: 22383692, 21115670, 23431072, 22508176, 29338003, 31740684, 31056860, 33454723)

CeGaT Center for Human Genetics Tuebingen
Classification: Pathogenic. Last evaluated: 2020-03-01. Review status: criteria provided, single submitter. Criteria: CeGaT Center For Human Genetics Tuebingen Variant Classification Criteria Version 2. Collection method: clinical testing. Allele origin: germline. Affected: yes. Observed: 1 variant allele.

Cavalleri Lab, Royal College of Surgeons in Ireland
Classification: Uncertain significance for Polycystic kidney disease, adult type. Last evaluated: 2020-02-05. Review status: criteria provided, single submitter. Criteria: ACMG Guidelines, 2015. Collection method: research. Allele origin: unknown. Inheritance: Autosomal dominant inheritance. Affected: yes.
Comment: PP3, PP4, PP5

Literature cited by the submitters: PubMed 31056860 (cited by 4 submitters); PubMed 35778421 (cited by Women's Health and Genetics/Laboratory Corporation of America, LabCorp and Department of Pathology and Laboratory Medicine, Sinai Health System); PubMed 23431072 (cited by 3 submitters); PubMed 21115670 (cited by 3 submitters); PubMed 22508176 (cited by 3 submitters); PubMed 37078890 (cited by Victorian Clinical Genetics Services, Murdoch Childrens Research Institute); PubMed 22383692 (cited by 3 submitters).